The following is an entry in ClinVar:

NM_000169.3(GLA):c.1022A>C (p.Glu341Ala)

Genes: GLA (galactosidase alpha; minus strand), RPL36A-HNRNPH2 (RPL36A-HNRNPH2 readthrough; plus strand). Cytogenetic location: Xq22.1.
Variant type: single nucleotide variant.
Coding change: c.1022A>C on transcript NM_000169.3 (MANE Select); coding-DNA position 1022, A replaced by C.
Protein change: p.Glu341Ala; replaces glutamic acid 341 with alanine.
Molecular consequence: missense variant. On other transcripts: non-coding transcript variant (3), intron variant (2).
Genome position (GRCh38, 1-based): chrX:101,398,077, T>G on the plus strand (A>C on the coding strand, the complement: GLA is on the minus strand). VCF-style: chrX-101398077-T-G. GRCh37 (hg19) VCF-style: chrX-100653065-T-G.
Other names: c.1145A>C, p.Glu382Ala (NM_001406747.1); c.300+2620T>G (NM_001199973.2); c.177+6255T>G (NM_001199974.2); short protein forms E341A, E382A.
Identifiers: ClinVar variation 1763194 (VCV001763194.2), dbSNP rs2520854786, ClinGen allele CA413921207.

ClinVar aggregate classification (germline): Uncertain significance (1 of 4 stars; one submission).

Conditions:
Cardiovascular phenotype. Identifiers: MedGen CN230736.

Submission:

Ambry Genetics
Classification: Uncertain significance for Cardiovascular phenotype. Last evaluated: 2020-01-08. Review status: criteria provided, single submitter. Criteria: Ambry Variant Classification Scheme 2023. Collection method: clinical testing. Allele origin: germline.
Comment: The p.E341A variant (also known as c.1022A>C), located in coding exon 7 of the GLA gene, results from an A to C substitution at nucleotide position 1022. The glutamic acid at codon 341 is replaced by alanine, an amino acid with dissimilar properties. Other variants affecting this codon (p.E341K (c.1021G>A), p.E341D (c.1023A>C), and p.E341G (c.1022A>G)) have been reported in association with Fabry disease (Beyer EM et al. Clin. Chim. Acta, 1999 Feb;280:81-9; Shabbeer J et al. Mol. Genet. Metab., 2002 May;76:23-30; Pan X et al. PLoS ONE, 2016 Aug;11:e0161330). This amino acid position is highly conserved in available vertebrate species. In addition, this alteration is predicted to be deleterious by in silico analysis. Since supporting evidence is limited at this time, the clinical significance of this alteration remains unclear.

Literature cited by the submitters: PubMed 10090526; PubMed 12175777; PubMed 27560961.